The following is an entry in ClinVar:

ClinVar aggregate classification (germline): Uncertain significance. Review status: criteria provided, multiple submitters, no conflicts (2 of 4 stars). 2 submissions from 2 submitters: Uncertain significance (2). Last evaluated 2022-07-08.

Conditions:
Familial hypobetalipoproteinemia 1. Also called: Hypobetalipoproteinemia, normotriglyceridemic; Acanthocytosis with hypobetalipoproteinemia; APOB-Related Familial Hypobetalipoproteinemia. Identifiers: MedGen C4551990, MONDO:0014252, OMIM 615558.
Hypercholesterolemia, autosomal dominant, type B (FHCL2). Also called: Familial Hypercholesterolemia Type B; APOLIPOPROTEIN B-100, FAMILIAL DEFECTIVE; APOLIPOPROTEIN B-100, FAMILIAL LIGAND-DEFECTIVE; HYPERCHOLESTEROLEMIA, FAMILIAL, DUE TO LIGAND-DEFECTIVE APOLIPOPROTEIN B; Familial hypercholesterolemia 2; APOB-Related Familial Hypercholesterolemia, Autosomal Dominant. Identifiers: MedGen C1704417, MONDO:0007751, OMIM 144010.
Cardiovascular phenotype. Identifiers: MedGen CN230736.

Allele frequency attached by ClinVar (database versions not stated): gnomAD exomes below 0.00001; ExAC 0.00001; gnomAD 0.00001; TOPMed 0.00001.
gnomAD v4.1: 2 of 1,613,924 alleles (0.00012%); highest among the groups gnomAD compares: African/African-American, 0.0013%; no homozygotes.

Submissions (2):

Ambry Genetics
Classification: Uncertain significance for Cardiovascular phenotype. Last evaluated: 2022-07-08. Review status: criteria provided, single submitter. Criteria: Ambry Variant Classification Scheme 2023. Collection method: clinical testing. Allele origin: germline.
Comment: The p.A467T variant (also known as c.1399G>A), located in coding exon 11 of the APOB gene, results from a G to A substitution at nucleotide position 1399. The alanine at codon 467 is replaced by threonine, an amino acid with similar properties. This amino acid position is conserved. In addition, the in silico prediction for this alteration is inconclusive. Since supporting evidence is limited at this time, the clinical significance of this alteration remains unclear.

Labcorp Genetics (formerly Invitae), Labcorp
Classification: Uncertain significance for Familial hypobetalipoproteinemia 1; Hypercholesterolemia, autosomal dominant, type B. Last evaluated: 2022-01-11. Review status: criteria provided, single submitter. Criteria: Invitae Variant Classification Sherloc (09022015). Collection method: clinical testing. Allele origin: germline.
Comment: In summary, the available evidence is currently insufficient to determine the role of this variant in disease. Therefore, it has been classified as a Variant of Uncertain Significance. Algorithms developed to predict the effect of missense changes on protein structure and function are either unavailable or do not agree on the potential impact of this missense change (SIFT: "Deleterious"; PolyPhen-2: "Probably Damaging"; Align-GVGD: "Class C0"). This variant has not been reported in the literature in individuals affected with APOB-related conditions. This variant is present in population databases (rs754081107, gnomAD 0.007%). This sequence change replaces alanine, which is neutral and non-polar, with threonine, which is neutral and polar, at codon 467 of the APOB protein (p.Ala467Thr).

NM_000384.3(APOB):c.1399G>A (p.Ala467Thr)

Gene: APOB (apolipoprotein B; minus strand). Cytogenetic location: 2p24.1.
Variant type: single nucleotide variant.
Coding change: c.1399G>A on transcript NM_000384.3 (MANE Select); coding-DNA position 1399, G replaced by A.
Protein change: p.Ala467Thr; replaces alanine 467 with threonine.
Molecular consequence: missense variant.
Genome position (GRCh38, 1-based): chr2:21,029,969, C>T on the plus strand (G>A on the coding strand, the complement: APOB is on the minus strand). VCF-style: chr2-21029969-C-T. GRCh37 (hg19) VCF-style: chr2-21252841-C-T.
Other names: short protein forms A467T.
Identifiers: ClinVar variation 1771706 (VCV001771706.7), dbSNP rs754081107, ClinGen allele CA053529.